The following is an entry in ClinVar:

NM_004565.3(PEX14):c.1025G>A (p.Cys342Tyr)

Gene: PEX14 (peroxisomal biogenesis factor 14; plus strand). Cytogenetic location: 1p36.22.
Variant type: single nucleotide variant.
Coding change: c.1025G>A on transcript NM_004565.3 (MANE Select); coding-DNA position 1025, G replaced by A.
Protein change: p.Cys342Tyr; replaces cysteine 342 with tyrosine.
Molecular consequence: missense variant.
Genome position (GRCh38, 1-based): chr1:10,629,878, G>A. VCF-style: chr1-10629878-G-A. GRCh37 (hg19) VCF-style: chr1-10689935-G-A.
Other names: short protein forms C342Y.
Identifiers: ClinVar variation 598019 (VCV000598019.9), dbSNP rs774432688, ClinGen allele CA584020.

ClinVar aggregate classification (germline): Uncertain significance. Review status: criteria provided, multiple submitters, no conflicts (2 of 4 stars). 2 submissions from 2 submitters: Uncertain significance (2). Last evaluated 2021-09-24.

Conditions:
Peroxisome biogenesis disorder, complementation group K (CGK). Identifiers: MedGen C1866257, MONDO:0800365.

Allele frequency attached by ClinVar (database versions not stated): gnomAD exomes below 0.00001 and 0.00001; TOPMed 0.00001; ExAC 0.00002.
gnomAD v4.1: 1 of 1,612,802 alleles (0.000062%); highest among the groups gnomAD compares: Non-Finnish European, 0.000085%; no homozygotes.

Submissions (2):

Labcorp Genetics (formerly Invitae), Labcorp
Classification: Uncertain significance for Peroxisome biogenesis disorder, complementation group K. Last evaluated: 2021-09-24. Review status: criteria provided, single submitter. Criteria: Invitae Variant Classification Sherloc (09022015). Collection method: clinical testing. Allele origin: germline.
Comment: This sequence change replaces cysteine with tyrosine at codon 342 of the PEX14 protein (p.Cys342Tyr). The cysteine residue is weakly conserved and there is a large physicochemical difference between cysteine and tyrosine. This variant is present in population databases (rs774432688, ExAC 0.003%). This variant has not been reported in the literature in individuals with PEX14-related conditions. ClinVar contains an entry for this variant (Variation ID: 598019). Algorithms developed to predict the effect of missense changes on protein structure and function (SIFT, PolyPhen-2, Align-GVGD) all suggest that this variant is likely to be tolerated, but these predictions have not been confirmed by published functional studies and their clinical significance is uncertain. In summary, the available evidence is currently insufficient to determine the role of this variant in disease. Therefore, it has been classified as a Variant of Uncertain Significance.

Eurofins Ntd Llc (ga)
Classification: Uncertain significance. Last evaluated: 2018-07-12. Review status: criteria provided, single submitter. Criteria: EGL ClinVar v180209 classification definitions. Collection method: clinical testing. Allele origin: germline. Observed: 1 variant allele, 1 heterozygote.